The following is an entry in ClinVar:

ClinVar aggregate classification (germline): Uncertain significance (1 of 4 stars; one submission).

Submission:

GeneDx
Classification: Uncertain significance. Last evaluated: 2025-04-15. Review status: criteria provided, single submitter. Criteria: GeneDx Variant Classification Process June 2021. Collection method: clinical testing. Allele origin: germline. Affected: yes.
Comment: Frameshift variant predicted to result in abnormal protein length as the last 70 amino acids are replaced with 19 different amino acids in a gene for which loss-of-function is not an established mechanism of disease; Not observed at significant frequency in large population cohorts (gnomAD); Has not been previously published as pathogenic or benign to our knowledge

NM_002742.3(PRKD1):c.2527_2528del (p.Gln843fs)

Gene: PRKD1 (protein kinase D1; minus strand). Cytogenetic location: 14q12.
Variant type: Deletion.
Coding change: c.2527_2528del on transcript NM_002742.3 (MANE Select); coding-DNA positions 2527 to 2528, 2 bases deleted (CA; older notation c.2527_2528delCA).
Protein change: p.Gln843fs; shifts the reading frame from glutamine 843.
Molecular consequence: frameshift variant.
Genome position (GRCh38, 1-based): chr14:29,577,449-29,577,450, TG deleted on the plus strand (CA on the coding strand, the reverse complement: PRKD1 is on the minus strand). VCF-style (leftmost placement, unchanged base first): chr14-29577448-CTG-C. GRCh37 (hg19) VCF-style: chr14-30046654-CTG-C.
Other names: c.2551_2552del, p.Gln851fs (NM_001330069.2); c.2263_2264del, p.Gln755fs (NM_001348390.1); short protein forms Q755fs, Q843fs, Q851fs.
Identifiers: ClinVar variation 4282458 (VCV004282458.1).